The following is an entry in ClinVar:

NM_001142864.4(PIEZO1):c.2673C>T (p.Pro891=)

Genes: HSALR1 (HSP90AB1 associated lncRNA 1; plus strand), PIEZO1 (piezo type mechanosensitive ion channel component 1 (Er blood group); minus strand). Cytogenetic location: 16q24.3.
Variant type: single nucleotide variant.
Coding change: c.2673C>T on transcript NM_001142864.4 (MANE Select); coding-DNA position 2673, C replaced by T.
Protein change: p.Pro891=; no amino-acid change (proline 891 retained).
Molecular consequence: synonymous variant.
Genome position (GRCh38, 1-based): chr16:88,732,724, G>A on the plus strand (C>T on the coding strand, the complement: PIEZO1 is on the minus strand). VCF-style: chr16-88732724-G-A. GRCh37 (hg19) VCF-style: chr16-88799132-G-A.
Other names: c.1215C>T, p.Pro405= (NM_014745.1); c.2673C>T (NM_001142864.3).
Identifiers: ClinVar variation 2900958 (VCV002900958.6), dbSNP rs776536395, ClinGen allele CA8232728.

ClinVar aggregate classification (germline): Benign/Likely benign. Review status: criteria provided, multiple submitters, no conflicts (2 of 4 stars). 3 submissions from 3 submitters: Benign (1); Likely benign (1). 1 of the submissions does not count toward it. Last evaluated 2025-08-18.

Conditions:
PIEZO1-related disorder. Also called: PIEZO1-related condition; PIEZO1-Related Disorders.

Allele frequency attached by ClinVar (database versions not stated): gnomAD 0.00003; TOPMed 0.00003; ExAC 0.00015.
gnomAD v4.1: 59 of 1,546,890 alleles (0.0038%); highest among the groups gnomAD compares: Admixed American, 0.0079%; no homozygotes.

Submissions (3):

Labcorp Genetics (formerly Invitae), Labcorp
Classification: Benign. Last evaluated: 2025-08-18. Review status: criteria provided, single submitter. Criteria: Invitae Variant Classification Sherloc (09022015). Collection method: clinical testing. Allele origin: germline.

Blueprint Genetics
Classification: Likely benign. Last evaluated: 2020-03-28. Review status: criteria provided, single submitter. Criteria: ACMG Guidelines, 2015. Collection method: clinical testing. Allele origin: germline.

PreventionGenetics, part of Exact Sciences
Classification: Likely benign for PIEZO1-related condition. Last evaluated: 2022-05-13. Review status: no assertion criteria provided. Collection method: clinical testing. Allele origin: germline. Not counted in ClinVar's aggregate classification.
Comment: This variant is classified as likely benign based on ACMG/AMP sequence variant interpretation guidelines (Richards et al. 2015 PMID: 25741868, with internal and published modifications).